The following is an entry in ClinVar:

ClinVar aggregate classification (germline): Conflicting classifications of pathogenicity. Review status: criteria provided, conflicting classifications (1 of 4 stars). 4 submissions from 4 submitters: Uncertain significance (3); Likely benign (1). Last evaluated 2026-03-24.

Conditions:
Cardiovascular phenotype. Identifiers: MedGen CN230736.

Allele frequency attached by ClinVar (database versions not stated): gnomAD exomes 0.00007 and 0.00003; TOPMed 0.00002; gnomAD 0.00003; ExAC 0.00006.
gnomAD v4.1: 44 of 1,550,264 alleles (0.0028%); highest among the groups gnomAD compares: Non-Finnish European, 0.0037%; no homozygotes.

Submissions (4):

Women's Health and Genetics/Laboratory Corporation of America, LabCorp
Classification: Uncertain significance. Last evaluated: 2026-03-24. Review status: criteria provided, single submitter. Criteria: LabCorp Variant Classification Summary - May 2015. Collection method: clinical testing. Allele origin: germline.
Comment: Variant summary: ZNF469 c.3992T>C (p.Val1331Ala) results in a non-conservative amino acid change in the encoded protein sequence. Algorithms developed to predict the effect of missense changes on protein structure and function are either unavailable or do not agree on the potential impact of this missense change. The variant allele was found at a frequency of 7.2e-05 in 153056 control chromosomes. This frequency is not significantly higher than estimated for disease-causing variants in ZNF469, allowing no conclusion about variant significance. To our knowledge, no occurrence of c.3992T>C in individuals affected with ZNF469-related conditions and no experimental evidence demonstrating its impact on protein function have been reported. ClinVar contains an entry for this variant (Variation ID: 1445447). Based on the evidence outlined above, the variant was classified as uncertain significance.

Ambry Genetics
Classification: Likely benign for Cardiovascular phenotype. Last evaluated: 2025-04-03. Review status: criteria provided, single submitter. Criteria: Ambry Variant Classification Scheme 2023. Collection method: clinical testing. Allele origin: germline.

Labcorp Genetics (formerly Invitae), Labcorp
Classification: Uncertain significance. Last evaluated: 2024-12-07. Review status: criteria provided, single submitter. Criteria: Invitae Variant Classification Sherloc (09022015). Collection method: clinical testing. Allele origin: germline.
Comment: This sequence change replaces valine, which is neutral and non-polar, with alanine, which is neutral and non-polar, at codon 1303 of the ZNF469 protein (p.Val1303Ala). This variant is present in population databases (rs764653097, gnomAD 0.01%). This variant has not been reported in the literature in individuals affected with ZNF469-related conditions. ClinVar contains an entry for this variant (Variation ID: 1445447). An algorithm developed to predict the effect of missense changes on protein structure and function outputs the following: PolyPhen-2: "Benign". The alanine amino acid residue is found in multiple mammalian species, which suggests that this missense change does not adversely affect protein function. In summary, the available evidence is currently insufficient to determine the role of this variant in disease. Therefore, it has been classified as a Variant of Uncertain Significance.

GeneDx
Classification: Uncertain significance. Last evaluated: 2024-04-11. Review status: criteria provided, single submitter. Criteria: GeneDx Variant Classification Process June 2021. Collection method: clinical testing. Allele origin: germline. Affected: yes.
Comment: In silico analysis indicates that this missense variant does not alter protein structure/function; Has not been previously published as pathogenic or benign to our knowledge

NM_001367624.2(ZNF469):c.3992T>C (p.Val1331Ala)

Gene: ZNF469 (zinc finger protein 469; plus strand). Cytogenetic location: 16q24.2.
Variant type: single nucleotide variant.
Coding change: c.3992T>C on transcript NM_001367624.2 (MANE Select); coding-DNA position 3992, T replaced by C.
Protein change: p.Val1331Ala; replaces valine 1331 with alanine.
Molecular consequence: missense variant.
Genome position (GRCh38, 1-based): chr16:88,431,462, T>C. VCF-style: chr16-88431462-T-C. GRCh37 (hg19) VCF-style: chr16-88497870-T-C.
Other names: NM_001127464.1:c.3908T>C; short protein forms V1331A.
Identifiers: ClinVar variation 1445447 (VCV001445447.8), dbSNP rs764653097, ClinGen allele CA8224909.